The following is an entry in ClinVar:

NM_018139.3(DNAAF2):c.1634C>G (p.Pro545Arg)

Genes: DNAAF2 (dynein axonemal assembly factor 2; minus strand), LOC130055541 (ATAC-STARR-seq lymphoblastoid active region 8320; plus strand). Cytogenetic location: 14q21.3.
Variant type: single nucleotide variant.
Coding change: c.1634C>G on transcript NM_018139.3 (MANE Select); coding-DNA position 1634, C replaced by G.
Protein change: p.Pro545Arg; replaces proline 545 with arginine.
Molecular consequence: missense variant. On other transcripts: 5 prime UTR variant (1).
Genome position (GRCh38, 1-based): chr14:49,633,516, G>C on the plus strand (C>G on the coding strand, the complement: DNAAF2 is on the minus strand). VCF-style: chr14-49633516-G-C. GRCh37 (hg19) VCF-style: chr14-50100234-G-C.
Other names: c.1634C>G, p.Pro545Arg (NM_001083908.2); c.-238C>G (NM_001378453.1); short protein forms P545R.
Identifiers: ClinVar variation 1989692 (VCV001989692.4), dbSNP rs761139069, ClinGen allele CA389626397.

ClinVar aggregate classification (germline): Uncertain significance (1 of 4 stars; one submission).

Conditions:
Primary ciliary dyskinesia. Also called: Ciliary dyskinesia. Identifiers: Orphanet 244, MedGen C0008780, MONDO:0016575, HP:0012265.

Submission:

Labcorp Genetics (formerly Invitae), Labcorp
Classification: Uncertain significance for Primary ciliary dyskinesia. Last evaluated: 2022-01-27. Review status: criteria provided, single submitter. Criteria: Invitae Variant Classification Sherloc (09022015). Collection method: clinical testing. Allele origin: germline.
Comment: In summary, the available evidence is currently insufficient to determine the role of this variant in disease. Therefore, it has been classified as a Variant of Uncertain Significance. Algorithms developed to predict the effect of missense changes on protein structure and function are either unavailable or do not agree on the potential impact of this missense change (SIFT: "Tolerated"; PolyPhen-2: "Probably Damaging"; Align-GVGD: "Class C0"). This variant has not been reported in the literature in individuals affected with DNAAF2-related conditions. This variant is not present in population databases (gnomAD no frequency). This sequence change replaces proline, which is neutral and non-polar, with arginine, which is basic and polar, at codon 545 of the DNAAF2 protein (p.Pro545Arg).